The following is an entry in ClinVar:

NM_000168.6(GLI3):c.1448_1463dup (p.Arg489fs)

Gene: GLI3 (GLI family zinc finger 3; minus strand). Cytogenetic location: 7p14.1.
Variant type: Duplication.
Coding change: c.1448_1463dup on transcript NM_000168.6 (MANE Select); coding-DNA positions 1448 to 1463, 16 bases duplicated (ACTGGGAAGGCTGCGC).
Protein change: p.Arg489fs; shifts the reading frame from arginine 489.
Molecular consequence: frameshift variant.
Genome position (GRCh38, 1-based): chr7:42,023,502-42,023,517, GCGCAGCCTTCCCAGT duplicated on the plus strand (ACTGGGAAGGCTGCGC on the coding strand, the reverse complement: GLI3 is on the minus strand); duplicating any 16 consecutive bases within chr7:42,023,502-42,023,518 gives the same sequence; the c. name uses the placement nearest the transcript's 3' end. VCF-style (leftmost placement, unchanged base first): chr7-42023501-C-CGCGCAGCCTTCCCAGT. GRCh37 (hg19) VCF-style: chr7-42063100-C-CGCGCAGCCTTCCCAGT.
Other names: short protein forms R489fs.
Identifiers: ClinVar variation 2635622 (VCV002635622.1), dbSNP rs2484638597, ClinGen allele CA2695198475.
Genomic context (GRCh38, chr7:42,023,501, plus strand): 5'-CTCGGTTCCTGAATACCATCCACTTACGTGCACAAGCTGCTCTTGGGTGTCGAACTCCCT[C>CGCGCAGCCTTCCCAGT]GCGCAGCCTTCCCAGTGGCAGTTTGTCTCATAGATGACTTCAGGCTCCTGTTTGCTTTCA-3'

ClinVar aggregate classification (germline): Likely pathogenic (1 of 4 stars; one submission).

Conditions:
GLI3-related disorder. Also called: GLI3-related condition; GLI3-related disorders. Identifiers: MedGen CN239292.

Submission:

PreventionGenetics, part of Exact Sciences
Classification: Likely pathogenic for GLI3-related condition. Last evaluated: 2022-11-07. Review status: criteria provided, single submitter. Criteria: ACMG Guidelines, 2015. Collection method: clinical testing. Allele origin: germline.
Comment: The GLI3 c.1448_1463dup16 variant is predicted to result in a frameshift and premature protein termination (p.Arg489Leufs*20). To our knowledge, this variant has not been reported in the literature or in a large population database, indicating this variant is rare. Frameshift variants in GLI3 are expected to be pathogenic. This variant is interpreted as likely pathogenic.